The following is an entry in ClinVar:

NM_001128205.2(SULF1):c.2440G>A (p.Val814Met)

Gene: SULF1 (sulfatase 1; plus strand). Cytogenetic location: 8q13.3.
Variant type: single nucleotide variant.
Coding change: c.2440G>A on transcript NM_001128205.2 (MANE Select); coding-DNA position 2440, G replaced by A.
Protein change: p.Val814Met; replaces valine 814 with methionine.
Molecular consequence: missense variant. On other transcripts: non-coding transcript variant (3).
Genome position (GRCh38, 1-based): chr8:69,638,747, G>A. VCF-style: chr8-69638747-G-A. GRCh37 (hg19) VCF-style: chr8-70550982-G-A.
Other names: c.2440G>A (NM_001128205.1); c.2440G>A, p.Val814Met (NM_001128204.2, NM_001128206.2, NM_015170.3); short protein forms V814M.
Identifiers: ClinVar variation 195575 (VCV000195575.11), dbSNP rs117639561, ClinGen allele CA214589.

ClinVar aggregate classification (germline): Conflicting classifications of pathogenicity. Review status: criteria provided, conflicting classifications (1 of 4 stars). 3 submissions from 3 submitters: Uncertain significance (2); Benign (1). Last evaluated 2025-08-03.

Allele frequency attached by ClinVar (database versions not stated): ESP Exome Variant Server 0.00023; gnomAD 0.00029 and 0.00030; TOPMed 0.00034; 1000 Genomes Project 0.00040; 1000 Genomes Project 30x 0.00047; ExAC 0.00052.
gnomAD v4.1: 748 of 1,614,108 alleles (0.046%); highest among the groups gnomAD compares: Non-Finnish European, 0.06%; no homozygotes.

Submissions (3):

Ambry Genetics
Classification: Uncertain significance. Last evaluated: 2025-08-03. Review status: criteria provided, single submitter. Criteria: Ambry Variant Classification Scheme 2023. Collection method: clinical testing. Allele origin: germline.

Labcorp Genetics (formerly Invitae), Labcorp
Classification: Uncertain significance. Last evaluated: 2025-07-03. Review status: criteria provided, single submitter. Criteria: Invitae Variant Classification Sherloc (09022015). Collection method: clinical testing. Allele origin: germline.
Comment: This sequence change replaces valine, which is neutral and non-polar, with methionine, which is neutral and non-polar, at codon 814 of the SULF1 protein (p.Val814Met). This variant is present in population databases (rs117639561, gnomAD 0.07%), and has an allele count higher than expected for a pathogenic variant. This variant has not been reported in the literature in individuals affected with SULF1-related conditions. ClinVar contains an entry for this variant (Variation ID: 195575). An algorithm developed to predict the effect of missense changes on protein structure and function (PolyPhen-2) suggests that this variant is likely to be disruptive. In summary, the available evidence is currently insufficient to determine the role of this variant in disease. Therefore, it has been classified as a Variant of Uncertain Significance.

Eurofins Ntd Llc (ga)
Classification: Benign. Last evaluated: 2015-04-22. Review status: criteria provided, single submitter. Criteria: EGL Classification Definitions 2015. Collection method: clinical testing. Allele origin: germline. Observed: 1 variant allele, 1 heterozygote.